The following is an entry in ClinVar:

ClinVar aggregate classification (germline): Uncertain significance. Review status: criteria provided, multiple submitters, no conflicts (2 of 4 stars). 2 submissions from 2 submitters: Uncertain significance (2). Last evaluated 2025-05-26.

Conditions:
Inborn genetic diseases. Identifiers: MedGen C0950123, MeSH D030342.

Allele frequency attached by ClinVar (database versions not stated): gnomAD exomes below 0.00001.
gnomAD v4.1: 2 of 1,614,132 alleles (0.00012%); highest among the groups gnomAD compares: Admixed American, 0.0017%; no homozygotes.

Submissions (2):

Ambry Genetics
Classification: Uncertain significance for Inborn genetic diseases. Last evaluated: 2025-05-26. Review status: criteria provided, single submitter. Criteria: Ambry Variant Classification Scheme 2023. Collection method: clinical testing. Allele origin: germline.

Labcorp Genetics (formerly Invitae), Labcorp
Classification: Uncertain significance. Last evaluated: 2024-05-01. Review status: criteria provided, single submitter. Criteria: Invitae Variant Classification Sherloc (09022015). Collection method: clinical testing. Allele origin: germline.
Comment: This sequence change replaces proline, which is neutral and non-polar, with serine, which is neutral and polar, at codon 43 of the VCAN protein (p.Pro43Ser). This variant is present in population databases (no rsID available, gnomAD 0.003%). This variant has not been reported in the literature in individuals affected with VCAN-related conditions. ClinVar contains an entry for this variant (Variation ID: 2284032). An algorithm developed to predict the effect of missense changes on protein structure and function (PolyPhen-2) suggests that this variant is likely to be disruptive. In summary, the available evidence is currently insufficient to determine the role of this variant in disease. Therefore, it has been classified as a Variant of Uncertain Significance.

NM_004385.5(VCAN):c.127C>T (p.Pro43Ser)

Gene: VCAN (versican; plus strand). Cytogenetic location: 5q14.2.
Variant type: single nucleotide variant.
Coding change: c.127C>T on transcript NM_004385.5 (MANE Select); coding-DNA position 127, C replaced by T.
Protein change: p.Pro43Ser; replaces proline 43 with serine.
Molecular consequence: missense variant.
Genome position (GRCh38, 1-based): chr5:83,490,154, C>T. VCF-style: chr5-83490154-C-T. GRCh37 (hg19) VCF-style: chr5-82785973-C-T.
Other names: c.127C>T, p.Pro43Ser (NM_001126336.3, NM_001164097.2, NM_001164098.2); short protein forms P43S.
Identifiers: ClinVar variation 2284032 (VCV002284032.5), dbSNP rs1221199398, ClinGen allele CA360294918.